The following is an entry in ClinVar:

NM_032638.5(GATA2):c.1375A>C (p.Ile459Leu)

Gene: GATA2 (GATA binding protein 2; minus strand). Cytogenetic location: 3q21.3.
Variant type: single nucleotide variant.
Coding change: c.1375A>C on transcript NM_032638.5 (MANE Select); coding-DNA position 1375, A replaced by C.
Protein change: p.Ile459Leu; replaces isoleucine 459 with leucine.
Molecular consequence: missense variant.
Genome position (GRCh38, 1-based): chr3:128,481,087, T>G on the plus strand (A>C on the coding strand, the complement: GATA2 is on the minus strand). VCF-style: chr3-128481087-T-G. GRCh37 (hg19) VCF-style: chr3-128199930-T-G.
Other names: c.1375A>C, p.Ile459Leu (NM_001145661.2); c.1333A>C, p.Ile445Leu (NM_001145662.1); short protein forms I459L, I445L.
Identifiers: ClinVar variation 4620649 (VCV004620649.1).

ClinVar aggregate classification (germline): Uncertain significance (1 of 4 stars; one submission).

Conditions:
Inborn genetic diseases. Identifiers: MedGen C0950123, MeSH D030342.

Submission:

Ambry Genetics
Classification: Uncertain significance for Inborn genetic diseases. Last evaluated: 2025-12-07. Review status: criteria provided, single submitter. Criteria: Ambry Variant Classification Scheme 2023. Collection method: clinical testing. Allele origin: germline.
Comment: The p.I459L variant (also known as c.1375A>C), located in coding exon 5 of the GATA2 gene, results from an A to C substitution at nucleotide position 1375. The isoleucine at codon 459 is replaced by leucine, an amino acid with highly similar properties. This amino acid position is conserved. In addition, the in silico prediction for this alteration is inconclusive. Based on the available evidence, the clinical significance of this variant remains unclear.